The following is an entry in ClinVar:

ClinVar aggregate classification (germline): Uncertain significance (1 of 4 stars; one submission).

Conditions:
Charcot-Marie-Tooth disease type 2. Also called: Charcot-Marie-Tooth type 2. Identifiers: Orphanet 64746, MedGen C0270914, MONDO:0018993.

gnomAD v4.1: 1 of 1,614,204 alleles (0.000062%); no homozygotes.

Submission:

Labcorp Genetics (formerly Invitae), Labcorp
Classification: Uncertain significance for Charcot-Marie-Tooth disease type 2. Last evaluated: 2024-05-26. Review status: criteria provided, single submitter. Criteria: Invitae Variant Classification Sherloc (09022015). Collection method: clinical testing. Allele origin: germline.
Comment: This sequence change replaces alanine, which is neutral and non-polar, with valine, which is neutral and non-polar, at codon 887 of the AARS protein (p.Ala887Val). This variant is not present in population databases (gnomAD no frequency). This variant has not been reported in the literature in individuals affected with AARS-related conditions. Advanced modeling of protein sequence and biophysical properties (such as structural, functional, and spatial information, amino acid conservation, physicochemical variation, residue mobility, and thermodynamic stability) performed at Invitae indicates that this missense variant is not expected to disrupt AARS protein function with a negative predictive value of 95%. In summary, the available evidence is currently insufficient to determine the role of this variant in disease. Therefore, it has been classified as a Variant of Uncertain Significance.

NM_001605.3(AARS1):c.2660C>T (p.Ala887Val)

Gene: AARS1 (alanyl-tRNA synthetase 1; minus strand). Cytogenetic location: 16q22.1.
Variant type: single nucleotide variant.
Coding change: c.2660C>T on transcript NM_001605.3 (MANE Select); coding-DNA position 2660, C replaced by T.
Protein change: p.Ala887Val; replaces alanine 887 with valine.
Molecular consequence: missense variant.
Genome position (GRCh38, 1-based): chr16:70,253,329, G>A on the plus strand (C>T on the coding strand, the complement: AARS1 is on the minus strand). VCF-style: chr16-70253329-G-A. GRCh37 (hg19) VCF-style: chr16-70287232-G-A.
Other names: short protein forms A887V.
Identifiers: ClinVar variation 3624056 (VCV003624056.2).